The following is an entry in ClinVar:

ClinVar aggregate classification (germline): Uncertain significance. Review status: criteria provided, multiple submitters, no conflicts (2 of 4 stars). 2 submissions from 2 submitters: Uncertain significance (2). Last evaluated 2023-01-11.

Allele frequency attached by ClinVar (database versions not stated): ExAC 0.00009; gnomAD 0.00009; TOPMed 0.00011; ESP Exome Variant Server 0.00015; gnomAD exomes 0.00019.
gnomAD v4.1: 302 of 1,613,790 alleles (0.019%); highest among the groups gnomAD compares: Non-Finnish European, 0.023%; no homozygotes.

Submissions (2):

Ambry Genetics
Classification: Uncertain significance. Last evaluated: 2023-01-11. Review status: criteria provided, single submitter. Criteria: Ambry Variant Classification Scheme 2023. Collection method: clinical testing. Allele origin: germline.

Labcorp Genetics (formerly Invitae), Labcorp
Classification: Uncertain significance. Last evaluated: 2022-05-24. Review status: criteria provided, single submitter. Criteria: Invitae Variant Classification Sherloc (09022015). Collection method: clinical testing. Allele origin: germline.
Comment: In summary, the available evidence is currently insufficient to determine the role of this variant in disease. Therefore, it has been classified as a Variant of Uncertain Significance. This variant is present in population databases (rs374227711, gnomAD 0.02%). This variant has not been reported in the literature in individuals affected with PLEKHG2-related conditions. Algorithms developed to predict the effect of missense changes on protein structure and function are either unavailable or do not agree on the potential impact of this missense change (SIFT: "Deleterious"; PolyPhen-2: "Benign"; Align-GVGD: "Class C15"). This sequence change replaces serine, which is neutral and polar, with cysteine, which is neutral and slightly polar, at codon 521 of the PLEKHG2 protein (p.Ser521Cys).

NM_022835.3(PLEKHG2):c.1562C>G (p.Ser521Cys)

Gene: PLEKHG2 (pleckstrin homology and RhoGEF domain containing G2; plus strand). Cytogenetic location: 19q13.2.
Variant type: single nucleotide variant.
Coding change: c.1562C>G on transcript NM_022835.3 (MANE Select); coding-DNA position 1562, C replaced by G.
Protein change: p.Ser521Cys; replaces serine 521 with cysteine.
Molecular consequence: missense variant.
Genome position (GRCh38, 1-based): chr19:39,422,173, C>G. VCF-style: chr19-39422173-C-G. GRCh37 (hg19) VCF-style: chr19-39912813-C-G.
Other names: c.1385C>G, p.Ser462Cys (NM_001351693.2); c.1562C>G, p.Ser521Cys (NM_001351694.2); c.1562C>G (NM_022835.2); short protein forms S462C, S521C.
Identifiers: ClinVar variation 2182188 (VCV002182188.4), dbSNP rs374227711, ClinGen allele CA9429590.
Genomic context (GRCh38, chr19:39,422,173, plus strand): 5'-AGCACGCTGGCAGCGAAGGGGAACTCTACCCTCCAGAATCTCAGCCACCAGTTTCAGGCT[C>G]TGCACCCCCTGAGGACCTGGAGGATGCTGGACCCCCAACACTGGACCCCTCTGGGACCTC-3'
Protein context (NP_073746.2, residues 511-531): PPESQPPVSG[Ser521Cys]APPEDLEDAG